The following is an entry in ClinVar:

NM_003476.5(CSRP3):c.165G>A (p.Glu55=)

Gene: CSRP3 (cysteine and glycine rich protein 3; minus strand). Cytogenetic location: 11p15.1.
Variant type: single nucleotide variant.
Coding change: c.165G>A on transcript NM_003476.5 (MANE Select); coding-DNA position 165, G replaced by A.
Protein change: p.Glu55=; no amino-acid change (glutamic acid 55 retained).
Molecular consequence: synonymous variant. On other transcripts: intron variant (1).
Genome position (GRCh38, 1-based): chr11:19,188,252, C>T on the plus strand (G>A on the coding strand, the complement: CSRP3 is on the minus strand). VCF-style: chr11-19188252-C-T. GRCh37 (hg19) VCF-style: chr11-19209799-C-T.
Other names: c.113-1904G>A (NM_001369404.1).
Identifiers: ClinVar variation 4984731 (VCV004984731.1).
Genomic context (GRCh38, chr11:19,188,252, plus strand): 5'-TTGTCCATACCCGATCCCTTTGGGGCCATATCTGCGCCCATAGCACACCTTGCAGTAGAT[C>T]TCCGACTCATGAGCCGCGACTGTCGTGCTGTCAAGAGCCTTCCTGCAGGCCACTGCCAGG-3'
Protein context (NP_003467.1, residues 45-65): DSTTVAAHES[Glu55=]IYCKVCYGRR

ClinVar aggregate classification (germline): Likely benign (1 of 4 stars; one submission).

Conditions:
CSRP3-related disorder. Also called: CSRP3-related disorders; CSRP3-related condition.

Submission:

PreventionGenetics, part of Exact Sciences
Classification: Likely benign for CSRP3-related condition. Last evaluated: 2026-07-06. Review status: criteria provided, single submitter. Criteria: ACMG Guidelines, 2015. Collection method: clinical testing. Allele origin: germline.
Comment: This variant is classified as likely benign based on ACMG/AMP sequence variant interpretation guidelines (Richards et al. 2015 PMID: 25741868, with internal and published modifications).